The following is an entry in ClinVar:

ClinVar aggregate classification (germline): Uncertain significance (1 of 4 stars; one submission).

Conditions:
Cardiovascular phenotype. Identifiers: MedGen CN230736.

gnomAD v4.1: 1 of 1,614,180 alleles (0.000062%); highest among the groups gnomAD compares: African/African-American, 0.0013%; no homozygotes.

Submission:

Ambry Genetics
Classification: Uncertain significance for Cardiovascular phenotype. Last evaluated: 2026-09-10. Review status: criteria provided, single submitter. Criteria: Ambry Variant Classification Scheme 2023. Collection method: clinical testing. Allele origin: germline.
Comment: The c.1858-1G>A intronic variant results from a G to A substitution one nucleotide upstream from coding exon 11 of the LDB3 gene. In silico splice site analysis predicts that this alteration will weaken the native splice acceptor site and will result in the creation or strengthening of a novel splice acceptor site. This nucleotide position is highly conserved in available vertebrate species. Variants that disrupt the canonical splice site are expected to cause aberrant splicing, resulting in an abnormal protein or a transcript that is subject to nonsense-mediated mRNA decay. However, loss of function has not been established as a mechanism of disease. Based on the available evidence, the clinical significance of this variant remains unclear.

NM_007078.3(LDB3):c.1858-1G>A

Gene: LDB3 (LIM domain binding 3; plus strand). Cytogenetic location: 10q23.2.
Variant type: single nucleotide variant.
Coding change: c.1858-1G>A on transcript NM_007078.3 (MANE Select); the canonical splice acceptor site of the intron before coding-DNA position 1858, G replaced by A.
Molecular consequence: splice acceptor variant.
Genome position (GRCh38, 1-based): chr10:86,718,726, G>A. VCF-style: chr10-86718726-G-A. GRCh37 (hg19) VCF-style: chr10-88478483-G-A.
Other names: c.1669-1G>A (NM_001368064.1, NM_001368065.1); c.1873-1G>A (NM_001171610.2); c.1717-1G>A (NM_001368066.1); c.1528-1G>A (NM_001080114.2).
Identifiers: ClinVar variation 5023532 (VCV005023532.1).
Genomic context (GRCh38, chr10:86,718,726, plus strand): 5'-TGGGGTAGTCAAGCCCGCTCCCTCTCTCCTTTCTGTCCTGAGCTTAGGCTCTTTCCCCCA[G>A]GAAGTAATGCATGCCTTGAGACAGACATGGCACACCACCTGCTTCGTCTGTGCGGCCTGC-3'